The following is an entry in ClinVar:

ClinVar aggregate classification (germline): Uncertain significance. Review status: criteria provided, multiple submitters, no conflicts (2 of 4 stars). 2 submissions from 2 submitters: Uncertain significance (2). Last evaluated 2024-06-26.

Submissions (2):

Women's Health and Genetics/Laboratory Corporation of America, LabCorp
Classification: Uncertain significance. Last evaluated: 2024-06-26. Review status: criteria provided, single submitter. Criteria: LabCorp Variant Classification Summary - May 2015. Collection method: clinical testing. Allele origin: germline.
Comment: Variant summary: ADAMTS13 c.1447T>C (p.Cys483Arg) results in a non-conservative amino acid change located in the ADAMTS/ADAMTS-like, cysteine-rich domain 3 (IPR045371) of the encoded protein sequence. Five of five in-silico tools predict a damaging effect of the variant on protein function. The variant was absent in 250918 control chromosomes. The available data on variant occurrences in the general population are insufficient to allow any conclusion about variant significance. To our knowledge, no occurrence of c.1447T>C in individuals affected with Thrombotic Thrombocytopenic Purpura and no experimental evidence demonstrating its impact on protein function have been reported. ClinVar contains an entry for this variant (Variation ID: 2004981). Based on the evidence outlined above, the variant was classified as uncertain significance.

Labcorp Genetics (formerly Invitae), Labcorp
Classification: Uncertain significance. Last evaluated: 2022-06-12. Review status: criteria provided, single submitter. Criteria: Invitae Variant Classification Sherloc (09022015). Collection method: clinical testing. Allele origin: germline.
Comment: In summary, the available evidence is currently insufficient to determine the role of this variant in disease. Therefore, it has been classified as a Variant of Uncertain Significance. Algorithms developed to predict the effect of missense changes on protein structure and function (SIFT, PolyPhen-2, Align-GVGD) all suggest that this variant is likely to be disruptive. This variant has not been reported in the literature in individuals affected with ADAMTS13-related conditions. This variant is not present in population databases (gnomAD no frequency). This sequence change replaces cysteine, which is neutral and slightly polar, with arginine, which is basic and polar, at codon 483 of the ADAMTS13 protein (p.Cys483Arg).

NM_139027.6(ADAMTS13):c.1447T>C (p.Cys483Arg)

Gene: ADAMTS13 (ADAM metallopeptidase with thrombospondin type 1 motif 13; plus strand). Cytogenetic location: 9q34.2.
Variant type: single nucleotide variant.
Coding change: c.1447T>C on transcript NM_139027.6 (MANE Select); coding-DNA position 1447, T replaced by C.
Protein change: p.Cys483Arg; replaces cysteine 483 with arginine.
Molecular consequence: missense variant.
Genome position (GRCh38, 1-based): chr9:133,437,760, T>C. VCF-style: chr9-133437760-T-C. GRCh37 (hg19) VCF-style: chr9-136302880-T-C.
Other names: c.1447T>C, p.Cys483Arg (NM_139025.5); c.1354T>C, p.Cys452Arg (NM_139026.6); short protein forms C452R, C483R.
Identifiers: ClinVar variation 2004981 (VCV002004981.5), dbSNP rs2491209391, ClinGen allele CA375392052.